The following is an entry in ClinVar:

NM_012233.3(RAB3GAP1):c.1681C>G (p.Leu561Val)

Gene: RAB3GAP1 (RAB3 GTPase activating protein catalytic subunit 1; plus strand). Cytogenetic location: 2q21.3.
Variant type: single nucleotide variant.
Coding change: c.1681C>G on transcript NM_012233.3 (MANE Select); coding-DNA position 1681, C replaced by G.
Protein change: p.Leu561Val; replaces leucine 561 with valine.
Molecular consequence: missense variant.
Genome position (GRCh38, 1-based): chr2:135,135,690, C>G. VCF-style: chr2-135135690-C-G. GRCh37 (hg19) VCF-style: chr2-135893260-C-G.
Other names: c.1681C>G, p.Leu561Val (NM_001172435.2); short protein forms L561V.
Identifiers: ClinVar variation 331128 (VCV000331128.12), dbSNP rs200175711, ClinGen allele CA1884902.
Genomic context (GRCh38, chr2:135,135,690, plus strand): 5'-GTCACTAATATATATCCAGGGGATGCTGGAAAAGCAGGAGACCAGTTGGTGCCAGATAAT[C>G]TAAAAGAAACAGATAAGGAAAAGGGAGAGGTAGGAAAATCTTGGGATTCCTGGAGTGACA-3'
Protein context (NP_036365.1, residues 551-571): KAGDQLVPDN[Leu561Val]KETDKEKGEV

ClinVar aggregate classification (germline): Uncertain significance. Review status: criteria provided, multiple submitters, no conflicts (2 of 4 stars). 4 submissions from 4 submitters: Uncertain significance (4). Last evaluated 2024-09-05.

Conditions:
Warburg micro syndrome 1 (WARBM1). Identifiers: Orphanet 2510, MedGen C1838625, MONDO:0010822, OMIM 600118.
Inborn genetic diseases. Identifiers: MedGen C0950123, MeSH D030342.

Allele frequency attached by ClinVar (database versions not stated): gnomAD 0.00006; gnomAD exomes 0.00014 and 0.00015; ESP Exome Variant Server 0.00031; TOPMed 0.00012; ExAC 0.00015.
gnomAD v4.1: 207 of 1,613,886 alleles (0.013%); highest among the groups gnomAD compares: Non-Finnish European, 0.014%; no homozygotes.

Submissions (4):

Ambry Genetics
Classification: Uncertain significance for Inborn genetic diseases. Last evaluated: 2024-09-05. Review status: criteria provided, single submitter. Criteria: Ambry Variant Classification Scheme 2023. Collection method: clinical testing. Allele origin: germline.

Labcorp Genetics (formerly Invitae), Labcorp
Classification: Uncertain significance. Last evaluated: 2023-11-27. Review status: criteria provided, single submitter. Criteria: Invitae Variant Classification Sherloc (09022015). Collection method: clinical testing. Allele origin: germline.
Comment: This sequence change replaces leucine, which is neutral and non-polar, with valine, which is neutral and non-polar, at codon 561 of the RAB3GAP1 protein (p.Leu561Val). This variant is present in population databases (rs200175711, gnomAD 0.05%). This variant has not been reported in the literature in individuals affected with RAB3GAP1-related conditions. ClinVar contains an entry for this variant (Variation ID: 331128). An algorithm developed to predict the effect of missense changes on protein structure and function (PolyPhen-2) suggests that this variant¬†is likely to be tolerated. In summary, the available evidence is currently insufficient to determine the role of this variant in disease. Therefore, it has been classified as a Variant of Uncertain Significance.

GeneDx
Classification: Uncertain significance. Last evaluated: 2019-06-06. Review status: criteria provided, single submitter. Criteria: GeneDx Variant Classification Process June 2021. Collection method: clinical testing. Allele origin: germline. Affected: yes.
Comment: In silico analysis, which includes protein predictors and evolutionary conservation, supports that this variant does not alter protein structure/function; Has not been previously published as pathogenic or benign to our knowledge

Illumina Laboratory Services, Illumina
Classification: Uncertain significance for Warburg micro syndrome 1. Last evaluated: 2018-01-13. Review status: criteria provided, single submitter. Criteria: ICSL Variant Classification Criteria 13 December 2019. Collection method: clinical testing. Allele origin: germline.